The following is an entry in ClinVar:

NM_006904.7(PRKDC):c.7384G>A (p.Val2462Ile)

Gene: PRKDC (protein kinase, DNA-activated, catalytic subunit; minus strand). Cytogenetic location: 8q11.21.
Variant type: single nucleotide variant.
Coding change: c.7384G>A on transcript NM_006904.7 (MANE Select); coding-DNA position 7384, G replaced by A.
Protein change: p.Val2462Ile; replaces valine 2462 with isoleucine.
Molecular consequence: missense variant.
Genome position (GRCh38, 1-based): chr8:47,840,086, C>T on the plus strand (G>A on the coding strand, the complement: PRKDC is on the minus strand). VCF-style: chr8-47840086-C-T. GRCh37 (hg19) VCF-style: chr8-48752647-C-T.
Other names: c.7384G>A, p.Val2462Ile (NM_001081640.2); short protein forms V2462I.
Identifiers: ClinVar variation 950766 (VCV000950766.8), dbSNP rs776319051, ClinGen allele CA4740122.

ClinVar aggregate classification (germline): Uncertain significance (1 of 4 stars; one submission).

Conditions:
Severe combined immunodeficiency due to DNA-PKcs deficiency. Also called: IMMUNODEFICIENCY 26 WITH NEUROLOGIC ABNORMALITIES; Immunodeficiency 26 with or without neurologic abnormalities. Identifiers: Orphanet 317425, MedGen C4014833, MONDO:0014423, OMIM 615966.

Allele frequency attached by ClinVar (database versions not stated): gnomAD exomes 0.00001 and 0.00008; gnomAD 0.00003 and 0.00004; TOPMed 0.00009; ExAC 0.00013.
gnomAD v4.1: 21 of 1,572,926 alleles (0.0013%); highest among the groups gnomAD compares: Admixed American, 0.036%; no homozygotes.

Submission:

Labcorp Genetics (formerly Invitae), Labcorp
Classification: Uncertain significance for Severe combined immunodeficiency due to DNA-PKcs deficiency. Last evaluated: 2024-12-03. Review status: criteria provided, single submitter. Criteria: Invitae Variant Classification Sherloc (09022015). Collection method: clinical testing. Allele origin: germline.
Comment: This sequence change replaces valine, which is neutral and non-polar, with isoleucine, which is neutral and non-polar, at codon 2462 of the PRKDC protein (p.Val2462Ile). This variant is present in population databases (rs776319051, gnomAD 0.04%). This variant has not been reported in the literature in individuals affected with PRKDC-related conditions. ClinVar contains an entry for this variant (Variation ID: 950766). Invitae Evidence Modeling of protein sequence and biophysical properties (such as structural, functional, and spatial information, amino acid conservation, physicochemical variation, residue mobility, and thermodynamic stability) indicates that this missense variant is not expected to disrupt PRKDC protein function with a negative predictive value of 80%. In summary, the available evidence is currently insufficient to determine the role of this variant in disease. Therefore, it has been classified as a Variant of Uncertain Significance.